The following is an entry in ClinVar:

ClinVar aggregate classification (germline): Uncertain significance (1 of 4 stars; one submission).

Allele frequency attached by ClinVar (database versions not stated): gnomAD exomes below 0.00001.

Submission:

Ambry Genetics
Classification: Uncertain significance. Last evaluated: 2025-01-06. Review status: criteria provided, single submitter. Criteria: Ambry Variant Classification Scheme 2023. Collection method: clinical testing. Allele origin: germline.
Comment: The p.N339Y variant (also known as c.1015A>T), located in coding exon 5 of the GALNT12 gene, results from an A to T substitution at nucleotide position 1015. The asparagine at codon 339 is replaced by tyrosine, an amino acid with dissimilar properties. This amino acid position is highly conserved in available vertebrate species. In addition, this alteration is predicted to be deleterious by in silico analysis. Since supporting evidence is limited at this time, the clinical significance of this alteration remains unclear.

NM_024642.5(GALNT12):c.1015A>T (p.Asn339Tyr)

Gene: GALNT12 (polypeptide N-acetylgalactosaminyltransferase 12; plus strand). Cytogenetic location: 9q22.33.
Variant type: single nucleotide variant.
Coding change: c.1015A>T on transcript NM_024642.5 (MANE Select); coding-DNA position 1015, A replaced by T.
Protein change: p.Asn339Tyr; replaces asparagine 339 with tyrosine.
Molecular consequence: missense variant.
Genome position (GRCh38, 1-based): chr9:98,835,346, A>T. VCF-style: chr9-98835346-A-T. GRCh37 (hg19) VCF-style: chr9-101597628-A-T.
Other names: short protein forms N339Y.
Identifiers: ClinVar variation 1741559 (VCV001741559.3), dbSNP rs1389588506, ClinGen allele CA374219528.
Genomic context (GRCh38, chr9:98,835,346, plus strand): 5'-AAGAAATATTTTGAATATCTGGGGTCTTATGATACAGGAATGGAAGTTTGGGGAGGAGAA[A>T]ACCTCGAATTTTCCTTTAGGGTAAGTATTTCAGTCTTCTCTTTGGACATGTTCTTAACTG-3'
Protein context (NP_078918.3, residues 329-349): DTGMEVWGGE[Asn339Tyr]LEFSFRIWQC